The following is an entry in ClinVar:

NM_006133.3(DAGLA):c.1983+10C>T

Gene: DAGLA (diacylglycerol lipase alpha; plus strand). Cytogenetic location: 11q12.2.
Variant type: single nucleotide variant.
Coding change: c.1983+10C>T on transcript NM_006133.3 (MANE Select); 10 bases into the intron after coding-DNA position 1983, C replaced by T.
Molecular consequence: intron variant.
Genome position (GRCh38, 1-based): chr11:61,740,602, C>T. VCF-style: chr11-61740602-C-T. GRCh37 (hg19) VCF-style: chr11-61508074-C-T.
Identifiers: ClinVar variation 3056430 (VCV003056430.2), dbSNP rs11828739, ClinGen allele CA6037055.

ClinVar aggregate classification (germline): Benign (0 of 4 stars; one submission).

Conditions:
DAGLA-related disorder. Also called: DAGLA-related condition.

Allele frequency attached by ClinVar (database versions not stated): ESP Exome Variant Server 0.19343; TOPMed 0.20174; gnomAD 0.20349; gnomAD exomes 0.21113; ExAC 0.22557; 1000 Genomes Project 30x 0.23142; 1000 Genomes Project 0.23263.
gnomAD v4.1: 338,463 of 1,611,766 alleles (21%); highest among the groups gnomAD compares: South Asian, 31%; 36,992 homozygotes.

Submission:

PreventionGenetics, part of Exact Sciences
Classification: Benign for DAGLA-related condition. Last evaluated: 2019-10-31. Review status: no assertion criteria provided. Collection method: clinical testing. Allele origin: germline.
Comment: This variant is classified as benign based on ACMG/AMP sequence variant interpretation guidelines (Richards et al. 2015 PMID: 25741868, with internal and published modifications).